The following is an entry in ClinVar:

NM_004168.4(SDHA):c.1087C>T (p.His363Tyr)

Gene: SDHA (succinate dehydrogenase complex flavoprotein subunit A; plus strand). Cytogenetic location: 5p15.33.
Variant type: single nucleotide variant.
Coding change: c.1087C>T on transcript NM_004168.4 (MANE Select); coding-DNA position 1087, C replaced by T.
Protein change: p.His363Tyr; replaces histidine 363 with tyrosine.
Molecular consequence: missense variant.
Genome position (GRCh38, 1-based): chr5:235,166, C>T. VCF-style: chr5-235166-C-T. GRCh37 (hg19) VCF-style: chr5-235281-C-T.
Other names: c.943C>T, p.His315Tyr (NM_001294332.2); c.1087C>T, p.His363Tyr (NM_001330758.2); short protein forms H315Y, H363Y.
Identifiers: ClinVar variation 1002368 (VCV001002368.9), dbSNP rs1553999417, ClinGen allele CA359013428.

ClinVar aggregate classification (germline): Uncertain significance (1 of 4 stars; one submission).

Conditions:
Mitochondrial complex II deficiency, nuclear type 1. Also called: SUCCINATE CoQ REDUCTASE DEFICIENCY. Identifiers: Orphanet 3208, MedGen C5700310, MONDO:0100294, OMIM 252011.
Pheochromocytoma/paraganglioma syndrome 5. Also called: Paragangliomas 5; SDHA-Related Hereditary Paraganglioma-Pheochromocytoma Syndrome. Identifiers: Orphanet 29072, MedGen C3279992, MONDO:0013602, OMIM 614165.

Submission:

Labcorp Genetics (formerly Invitae), Labcorp
Classification: Uncertain significance for Pheochromocytoma/paraganglioma syndrome 5; Mitochondrial complex II deficiency, nuclear type 1. Last evaluated: 2020-04-28. Review status: criteria provided, single submitter. Criteria: Invitae Variant Classification Sherloc (09022015). Collection method: clinical testing. Allele origin: germline.
Comment: In summary, the available evidence is currently insufficient to determine the role of this variant in disease. Therefore, it has been classified as a Variant of Uncertain Significance. Algorithms developed to predict the effect of missense changes on protein structure and function (SIFT, PolyPhen-2, Align-GVGD) all suggest that this variant is likely to be disruptive, but these predictions have not been confirmed by published functional studies and their clinical significance is uncertain. This variant has not been reported in the literature in individuals with SDHA-related conditions. This variant is not present in population databases (ExAC no frequency). This sequence change replaces histidine with tyrosine at codon 363 of the SDHA protein (p.His363Tyr). The histidine residue is highly conserved and there is a moderate physicochemical difference between histidine and tyrosine.